The following is an entry in ClinVar:

NM_005609.4(PYGM):c.1252G>A (p.Ala418Thr)

Gene: PYGM (glycogen phosphorylase, muscle associated; minus strand). Cytogenetic location: 11q13.1.
Variant type: single nucleotide variant.
Coding change: c.1252G>A on transcript NM_005609.4 (MANE Select); coding-DNA position 1252, G replaced by A.
Protein change: p.Ala418Thr; replaces alanine 418 with threonine.
Molecular consequence: missense variant.
Genome position (GRCh38, 1-based): chr11:64,753,670, C>T on the plus strand (G>A on the coding strand, the complement: PYGM is on the minus strand). VCF-style: chr11-64753670-C-T. GRCh37 (hg19) VCF-style: chr11-64521142-C-T.
Other names: c.988G>A, p.Ala330Thr (NM_001164716.1); short protein forms A418T, A330T.
Identifiers: ClinVar variation 1981407 (VCV001981407.1), dbSNP rs761724503, ClinGen allele CA6079938.

ClinVar aggregate classification (germline): Uncertain significance (1 of 4 stars; one submission).

Conditions:
Glycogen storage disease, type V (GSD5). Also called: McArdle type glycogen storage disease; MCARDLE DISEASE; MUSCLE GLYCOGEN PHOSPHORYLASE DEFICIENCY; MYOPHOSPHORYLASE DEFICIENCY; PYGM DEFICIENCY. Identifiers: Orphanet 368, MedGen C0017924, MONDO:0009293, OMIM 232600.

Allele frequency attached by ClinVar (database versions not stated): gnomAD exomes 0.00001; TOPMed 0.00001; ExAC 0.00007.
gnomAD v4.1: 10 of 1,606,942 alleles (0.00062%); highest among the groups gnomAD compares: Admixed American, 0.005%; no homozygotes.

Submission:

Labcorp Genetics (formerly Invitae), Labcorp
Classification: Uncertain significance for Glycogen storage disease, type V. Last evaluated: 2022-04-15. Review status: criteria provided, single submitter. Criteria: Invitae Variant Classification Sherloc (09022015). Collection method: clinical testing. Allele origin: germline.
Comment: This sequence change replaces alanine, which is neutral and non-polar, with threonine, which is neutral and polar, at codon 418 of the PYGM protein (p.Ala418Thr). The frequency data for this variant in the population databases is considered unreliable, as metrics indicate poor data quality at this position in the gnomAD database. This variant has not been reported in the literature in individuals affected with PYGM-related conditions. Algorithms developed to predict the effect of missense changes on protein structure and function output the following: SIFT: "Not Available"; PolyPhen-2: "Benign"; Align-GVGD: "Not Available". The threonine amino acid residue is found in multiple mammalian species, which suggests that this missense change does not adversely affect protein function. In summary, the available evidence is currently insufficient to determine the role of this variant in disease. Therefore, it has been classified as a Variant of Uncertain Significance.